The following is an entry in ClinVar:

NM_000539.3(RHO):c.562G>A (p.Gly188Arg)

Gene: RHO (rhodopsin; plus strand). Cytogenetic location: 3q22.1.
Variant type: single nucleotide variant.
Coding change: c.562G>A on transcript NM_000539.3 (MANE Select); coding-DNA position 562, G replaced by A.
Protein change: p.Gly188Arg; replaces glycine 188 with arginine.
Molecular consequence: missense variant.
Genome position (GRCh38, 1-based): chr3:129,532,282, G>A. VCF-style: chr3-129532282-G-A. GRCh37 (hg19) VCF-style: chr3-129251125-G-A.
Other names: short protein forms G188R.
Identifiers: ClinVar variation 143081 (VCV000143081.12), dbSNP rs527236100, ClinGen allele CA270025.
Genomic context (GRCh38, chr3:129,532,282, plus strand): 5'-GCAGGGTCTCCCTACCTGCCTGTCCTCAGGTACATCCCCGAGGGCCTGCAGTGCTCGTGT[G>A]GAATCGACTACTACACGCTCAAGCCGGAGGTCAACAACGAGTCTTTTGTCATCTACATGT-3'
Protein context (NP_000530.1, residues 178-198): YIPEGLQCSC[Gly188Arg]IDYYTLKPEV

ClinVar aggregate classification (germline): Pathogenic/Likely pathogenic. Review status: criteria provided, multiple submitters, no conflicts (2 of 4 stars). 4 submissions from 4 submitters: Pathogenic (2); Likely pathogenic (1). 1 of the submissions does not count toward it. Last evaluated 2023-10-01.

Conditions:
Retinitis pigmentosa (RP). Identifiers: Orphanet 791, MedGen C0035334, MeSH D012174, MONDO:0019200, OMIM 268000. Inheritance: Autosomal dominant, autosomal recessive and X linked inheritance.
Retinal dystrophy. Also called: Inherited retinal dystrophy. Identifiers: Orphanet 71862, MedGen C0854723, MeSH D058499, MONDO:0019118, HP:0000556.

Submissions (4):

Dept Of Ophthalmology, Nagoya University
Classification: Likely pathogenic for Retinal dystrophy. Last evaluated: 2023-10-01. Review status: criteria provided, single submitter. Criteria: Submitter's publication. Collection method: research. Allele origin: germline. Affected: yes.

GeneDx
Classification: Pathogenic. Last evaluated: 2022-08-30. Review status: criteria provided, single submitter. Criteria: GeneDx Variant Classification Process June 2021. Collection method: clinical testing. Allele origin: germline. Affected: yes.
Comment: Published functional studies demonstrate a damaging effect with protein misfolding, aggregation, and aberrant intracellular localization (Sung et al., 1993; Gragg et al., 2018); Not observed at significant frequency in large population cohorts (gnomAD); In silico analysis supports that this missense variant has a deleterious effect on protein structure/function; This variant is associated with the following publications: (PMID: 26106463, 27117643, 34849206, 32269941, 8253795, 21347327, 30240733, 21094163, 26358292, 8643442, 30977563, 29847639, 17014888, 10916182, 29890221, 25097241, 1833777, 8317502)

Labcorp Genetics (formerly Invitae), Labcorp
Classification: Pathogenic. Last evaluated: 2022-08-09. Review status: criteria provided, single submitter. Criteria: Invitae Variant Classification Sherloc (09022015). Collection method: clinical testing. Allele origin: germline.
Comment: Advanced modeling of protein sequence and biophysical properties (such as structural, functional, and spatial information, amino acid conservation, physicochemical variation, residue mobility, and thermodynamic stability) performed at Invitae indicates that this missense variant is expected to disrupt RHO protein function. ClinVar contains an entry for this variant (Variation ID: 143081). This missense change has been observed in individuals with autosomal dominant retinitis pigmentosa (PMID: 1833777, 17014888, 25097241, 29847639). It has also been observed to segregate with disease in related individuals. This variant is not present in population databases (gnomAD no frequency). This sequence change replaces glycine, which is neutral and non-polar, with arginine, which is basic and polar, at codon 188 of the RHO protein (p.Gly188Arg). Experimental studies have shown that this missense change affects RHO function (PMID: 29890221, 30240733). For these reasons, this variant has been classified as Pathogenic. This variant disrupts the p.Gly188 amino acid residue in RHO. Other variant(s) that disrupt this residue have been determined to be pathogenic (PMID: 8317502, 28076437, 28559085). This suggests that this residue is clinically significant, and that variants that disrupt this residue are likely to be disease-causing. Algorithms developed to predict the effect of sequence changes on RNA splicing suggest that this variant may create or strengthen a splice site.

Department of Ophthalmology and Visual Sciences Kyoto University
Classification: Pathogenic for Retinitis pigmentosa. Review status: no assertion criteria provided. Collection method: not provided. Allele origin: unknown. Not counted in ClinVar's aggregate classification.
ClinVar note: Converted during submission from pathogenic to Pathogenic.

Literature cited by the submitters: PubMed 1833777 (cited by Labcorp Genetics (formerly Invitae), Labcorp); PubMed 17014888 (cited by Labcorp Genetics (formerly Invitae), Labcorp); PubMed 25097241 (cited by Labcorp Genetics (formerly Invitae), Labcorp); PubMed 29847639 (cited by Labcorp Genetics (formerly Invitae), Labcorp); PubMed 29890221 (cited by Labcorp Genetics (formerly Invitae), Labcorp); PubMed 30240733 (cited by Labcorp Genetics (formerly Invitae), Labcorp); PubMed 8317502 (cited by Labcorp Genetics (formerly Invitae), Labcorp); PubMed 28076437 (cited by Labcorp Genetics (formerly Invitae), Labcorp); PubMed 28559085 (cited by Labcorp Genetics (formerly Invitae), Labcorp).